The following is an entry in ClinVar:

ClinVar aggregate classification (germline): Uncertain significance (1 of 4 stars; one submission).

Conditions:
Diabetes mellitus type 1 (T1D). Also called: Type I diabetes mellitus; Diabetes Mellitus, Juvenile-Onset. Identifiers: MedGen C0011854, MONDO:0005147, OMIM 222100, HP:0100651.

Submission:

Foundation for Research in Genetics and Endocrinology, FRIGE's Institute of Human Genetics
Classification: Uncertain significance for Diabetes mellitus type 1. Last evaluated: 2025-04-24. Review status: criteria provided, single submitter. Criteria: ACMG Guidelines, 2015. Collection method: clinical testing. Allele origin: germline. Inheritance: Autosomal recessive inheritance. Affected: yes. Observed: 1 compound heterozygote.
Comment: A heterozygous two base pair deletion in exon 13 of the PTPN22 gene (chr1:g.113837713GA>TT;Depth: 104x) that results in deletion of Phenylalanine and Proline at codon 562 and 563 and insertion of Leucine and Threonine (p.Phe562_Pro563delinsLeuThr; ENST00000359785.10) was detected. This variant has not been reported in the 1000 genomes and gnomAD databases. The in-silico prediction of the variant is disease causing by MutationTaster2. The reference region is conserved across species. In summary, the variant meets our criteria to be classified as the variant of uncertain significance.

NM_015967.8(PTPN22):c.1686_1687delinsAA (p.Phe562_Pro563delinsLeuThr)

Genes: AP4B1-AS1 (AP4B1 antisense RNA 1; plus strand), PTPN22 (protein tyrosine phosphatase non-receptor type 22; minus strand). Cytogenetic location: 1p13.2.
Variant type: Indel.
Coding change: c.1686_1687delinsAA on transcript NM_015967.8 (MANE Select); coding-DNA positions 1686 to 1687, TC replaced by AA.
Protein change: p.Phe562_Pro563delinsLeuThr.
Molecular consequence: missense variant.
Genome position (GRCh38, 1-based): chr1:113,837,713-113,837,714, GA replaced by TT on the plus strand (TC replaced by AA on the coding strand, the reverse complement: PTPN22 is on the minus strand). VCF-style: chr1-113837713-GA-TT. GRCh37 (hg19) VCF-style: chr1-114380335-GA-TT.
Other names: p.Phe562_Pro563delinsLeuThr; c.1686_1687delinsAA, p.Phe562_Pro563delinsLeuThr (NM_001193431.3); c.1614_1615delinsAA, p.Phe538_Pro539delinsLeuThr (NM_001308297.2); c.1521_1522delinsAA, p.Phe507_Pro508delinsLeuThr (NM_012411.6).
Identifiers: ClinVar variation 3893294 (VCV003893294.1).